The following is an entry in ClinVar:

ClinVar aggregate classification (germline): Uncertain significance (1 of 4 stars; one submission).

Conditions:
Mitochondrial hypertrophic cardiomyopathy with lactic acidosis due to MTO1 deficiency. Also called: Combined oxidative phosphorylation deficiency 10; CARDIOMYOPATHY, INFANTILE HYPERTROPHIC MITOCHONDRIAL, AND LACTIC ACIDOSIS. Identifiers: Orphanet 314637, MedGen C4749921, MONDO:0013865, OMIM 614702.

Allele frequency attached by ClinVar (database versions not stated): gnomAD 0.00003; gnomAD exomes below 0.00001; ExAC 0.00001; TOPMed 0.00002.

Submission:

Labcorp Genetics (formerly Invitae), Labcorp
Classification: Uncertain significance for Mitochondrial hypertrophic cardiomyopathy with lactic acidosis due to MTO1 deficiency. Last evaluated: 2022-04-22. Review status: criteria provided, single submitter. Criteria: Invitae Variant Classification Sherloc (09022015). Collection method: clinical testing. Allele origin: germline.
Comment: This sequence change replaces valine, which is neutral and non-polar, with isoleucine, which is neutral and non-polar, at codon 545 of the MTO1 protein (p.Val545Ile). This variant is present in population databases (rs764677221, gnomAD 0.01%). This variant has not been reported in the literature in individuals affected with MTO1-related conditions. Algorithms developed to predict the effect of missense changes on protein structure and function output the following: SIFT: "Tolerated"; PolyPhen-2: "Benign"; Align-GVGD: "Class C0". The isoleucine amino acid residue is found in multiple mammalian species, which suggests that this missense change does not adversely affect protein function. In summary, the available evidence is currently insufficient to determine the role of this variant in disease. Therefore, it has been classified as a Variant of Uncertain Significance.

NM_012123.4(MTO1):c.1633G>A (p.Val545Ile)

Gene: MTO1 (mitochondrial tRNA translation optimization 1; plus strand). Cytogenetic location: 6q13.
Variant type: single nucleotide variant.
Coding change: c.1633G>A on transcript NM_012123.4 (MANE Select); coding-DNA position 1633, G replaced by A.
Protein change: p.Val545Ile; replaces valine 545 with isoleucine.
Molecular consequence: missense variant.
Genome position (GRCh38, 1-based): chr6:73,482,616, G>A. VCF-style: chr6-73482616-G-A. GRCh37 (hg19) VCF-style: chr6-74192339-G-A.
Other names: c.1753G>A, p.Val585Ile (NM_001123226.2); c.1708G>A, p.Val570Ile (NM_133645.3); short protein forms V570I, V585I, V545I.
Identifiers: ClinVar variation 1448878 (VCV001448878.5), dbSNP rs764677221, ClinGen allele CA3889695.
Genomic context (GRCh38, chr6:73,482,616, plus strand): 5'-AGCTCTAAATGGAAAAAATTAATCCCAGAGGCTTCTATAAGTACTAGTAGAAGTCTGCCT[G>A]TCAGGTATGCATTTTTAATATAGACCTTTCTCACTTTTTATAGAAAAATAAGATCATAAG-3'
Protein context (NP_036255.2, residues 535-555): ASISTSRSLP[Val545Ile]RALDVLKYEE